The following is an entry in ClinVar:

ClinVar aggregate classification (germline): Uncertain significance (1 of 4 stars; one submission).

Submission:

CeGaT Center for Human Genetics Tuebingen
Classification: Uncertain significance. Last evaluated: 2026-08-01. Review status: criteria provided, single submitter. Criteria: CeGaT Center For Human Genetics Tuebingen Variant Classification Criteria Version 2. Collection method: clinical testing. Allele origin: germline. Affected: yes. Observed: 1 variant allele.
Comment: CACNA1D: PM2, PP3

NM_001128840.3(CACNA1D):c.3402C>G (p.Ile1134Met)

Genes: CACNA1D (calcium voltage-gated channel subunit alpha1 D; plus strand), LOC129936904 (ATAC-STARR-seq lymphoblastoid active region 19969; plus strand). Cytogenetic location: 3p21.1.
Variant type: single nucleotide variant.
Coding change: c.3402C>G on transcript NM_001128840.3 (MANE Select); coding-DNA position 3402, C replaced by G.
Protein change: p.Ile1134Met; replaces isoleucine 1134 with methionine.
Molecular consequence: missense variant.
Genome position (GRCh38, 1-based): chr3:53,749,355, C>G. VCF-style: chr3-53749355-C-G. GRCh37 (hg19) VCF-style: chr3-53783382-C-G.
Other names: c.3462C>G, p.Ile1154Met (NM_000720.4); c.3402C>G, p.Ile1134Met (NM_001128839.3); short protein forms I1134M, I1154M.
Identifiers: ClinVar variation 5040530 (VCV005040530.1).